The following is an entry in ClinVar:

NM_003126.4(SPTA1):c.5645_5647del (p.Gly1882del)

Gene: SPTA1 (spectrin alpha, erythrocytic 1; minus strand). Cytogenetic location: 1q23.1.
Variant type: Deletion.
Coding change: c.5645_5647del on transcript NM_003126.4 (MANE Select); coding-DNA positions 5645 to 5647, 3 bases deleted (GAG; older notation c.5645_5647delGAG).
Protein change: p.Gly1882del; deletes glycine 1882.
Molecular consequence: inframe deletion.
Genome position (GRCh38, 1-based): chr1:158,627,642-158,627,644, CTC deleted on the plus strand (GAG on the coding strand, the reverse complement: SPTA1 is on the minus strand); deleting any 3 consecutive bases within chr1:158,627,642-158,627,646 gives the same sequence; the c. name uses the placement nearest the transcript's 3' end. VCF-style (leftmost placement, unchanged base first): chr1-158627641-TCTC-T. GRCh37 (hg19) VCF-style: chr1-158597431-TCTC-T.
Other names: short protein forms G1882del.
Identifiers: ClinVar variation 3239169 (VCV003239169.19), dbSNP rs751821341.

ClinVar aggregate classification (germline): Uncertain significance (1 of 4 stars; one submission).

Submission:

CeGaT Center for Human Genetics Tuebingen
Classification: Uncertain significance. Last evaluated: 2024-05-01. Review status: criteria provided, single submitter. Criteria: CeGaT Center For Human Genetics Tuebingen Variant Classification Criteria Version 2. Collection method: clinical testing. Allele origin: germline. Affected: yes. Observed: 1 variant allele.
Comment: SPTA1: PM4:Supporting